The following is an entry in ClinVar:

NM_000088.4(COL1A1):c.3425G>T (p.Gly1142Val)

Gene: COL1A1 (collagen type I alpha 1 chain; minus strand). Cytogenetic location: 17q21.33.
Variant type: single nucleotide variant.
Coding change: c.3425G>T on transcript NM_000088.4 (MANE Select); coding-DNA position 3425, G replaced by T.
Protein change: p.Gly1142Val; replaces glycine 1142 with valine.
Molecular consequence: missense variant.
Genome position (GRCh38, 1-based): chr17:50,187,121, C>A on the plus strand (G>T on the coding strand, the complement: COL1A1 is on the minus strand). VCF-style: chr17-50187121-C-A. GRCh37 (hg19) VCF-style: chr17-48264482-C-A.
Other names: short protein forms G1142V.
Identifiers: ClinVar variation 590989 (VCV000590989.2), dbSNP rs1567753448, ClinGen allele CA400199021.

ClinVar aggregate classification (germline): Pathogenic. Review status: criteria provided, single submitter (1 of 4 stars). 2 submissions from 2 submitters: Pathogenic (1). 1 of the submissions does not count toward it. Last evaluated 2024-06-24.

Conditions:
Osteogenesis imperfecta (OI). Identifiers: Orphanet 666, MedGen C0029434, MeSH D010013, MONDO:0019019.

Submissions (2):

GeneDx
Classification: Pathogenic. Last evaluated: 2024-06-24. Review status: criteria provided, single submitter. Criteria: GeneDx Variant Classification Process June 2021. Collection method: clinical testing. Allele origin: germline. Affected: yes.
Comment: Occurs in the triple helical domain and replaces a glycine in a canonical Gly-X-Y repeat; missense substitution of a canonical glycine residue is expected to disrupt normal protein folding and function, and this is an established mechanism of disease (PMID: 34007986); Not observed at significant frequency in large population cohorts (gnomAD); In silico analysis supports that this missense variant has a deleterious effect on protein structure/function; Reported in a fetus with features consistent with a skeletal dysplasia (PMID: 30692697); This variant is associated with the following publications: (PMID: 34358384, 34007986, 30692697)

Baylor Genetics
Classification: Likely pathogenic for osteogenesis imperfecta. Last evaluated: 2018-11-18. Review status: no assertion criteria provided. Collection method: clinical testing. Allele origin: germline. Affected: yes. Not counted in ClinVar's aggregate classification.